The following is an entry in ClinVar:

NM_001127511.3(APC):c.97T>C (p.Cys33Arg)

Gene: APC (APC regulator of Wnt signaling pathway; plus strand). Cytogenetic location: 5q22.2.
Variant type: single nucleotide variant.
Coding change: c.97T>C on transcript NM_001127511.3; coding-DNA position 97, T replaced by C.
Protein change: p.Cys33Arg; replaces cysteine 33 with arginine.
Molecular consequence: missense variant. On other transcripts: 5 prime UTR variant (8), non-coding transcript variant (1), intron variant (5).
Genome position (GRCh38, 1-based): chr5:112,707,814, T>C. VCF-style: chr5-112707814-T-C. GRCh37 (hg19) VCF-style: chr5-112043511-T-C.
Other names: c.-87T>C (NM_001354895.2, NM_001407447.1, NM_001407452.1 and 3 more transcripts); c.97T>C, p.Cys33Arg (NM_001354897.2, NM_001354902.2, NM_001407446.1); c.-1122T>C (NM_001407470.1, NM_001407472.1); c.-19+165T>C (NM_001407448.1, NM_001407450.1, NM_001407457.1 and 1 more transcripts); c.-43+165T>C (NM_001407453.1); short protein forms C33R.
Identifiers: ClinVar variation 2829386 (VCV002829386.3), dbSNP rs2149631011, ClinGen allele CA360611969.

ClinVar aggregate classification (germline): Uncertain significance (1 of 4 stars; one submission).

Conditions:
Familial adenomatous polyposis 1 (FAP1). Also called: FAMILIAL ADENOMATOUS POLYPOSIS 1, ATTENUATED; POLYPOSIS, ADENOMATOUS INTESTINAL. Identifiers: MedGen C2713442, MONDO:0021056, OMIM 175100. Disease mechanism: loss of function.

Submission:

Labcorp Genetics (formerly Invitae), Labcorp
Classification: Uncertain significance for Familial adenomatous polyposis 1. Last evaluated: 2025-12-13. Review status: criteria provided, single submitter. Criteria: Invitae Variant Classification Sherloc (09022015). Collection method: clinical testing. Allele origin: germline.
Comment: This variant occurs in a non-coding region of the APC gene. It does not change the encoded amino acid sequence of the APC protein. This variant is not present in population databases (gnomAD no frequency). This variant has not been reported in the literature in individuals affected with APC-related conditions. Experimental studies and prediction algorithms are not available or were not evaluated, and the functional significance of this variant is currently unknown. In summary, the available evidence is currently insufficient to determine the role of this variant in disease. Therefore, it has been classified as a Variant of Uncertain Significance.